The following is an entry in ClinVar:

NM_005911.6(MAT2A):c.30G>C (p.Glu10Asp)

Gene: MAT2A (methionine adenosyltransferase 2A; plus strand). Cytogenetic location: 2p11.2.
Variant type: single nucleotide variant.
Coding change: c.30G>C on transcript NM_005911.6 (MANE Select); coding-DNA position 30, G replaced by C.
Protein change: p.Glu10Asp; replaces glutamic acid 10 with aspartic acid.
Molecular consequence: missense variant.
Genome position (GRCh38, 1-based): chr2:85,539,317, G>C. VCF-style: chr2-85539317-G-C. GRCh37 (hg19) VCF-style: chr2-85766440-G-C.
Other names: short protein forms E10D.
Identifiers: ClinVar variation 1727623 (VCV001727623.3), dbSNP rs771488542, ClinGen allele CA1741270.
Genomic context (GRCh38, chr2:85,539,317, plus strand): 5'-CGTAAGGCCACTTCCGCACACCGACACCAACATGAACGGACAGCTCAACGGCTTCCACGA[G>C]GCGTTCATCGAGGAGGGCACATTCCTTTTCACCTCAGAGTCGGTCGGGGAAGGCCACCCA-3'
Protein context (NP_005902.1, residues 1-20): MNGQLNGFH[Glu10Asp]AFIEEGTFLF

ClinVar aggregate classification (germline): Conflicting classifications of pathogenicity. Review status: criteria provided, conflicting classifications (1 of 4 stars). 2 submissions from 2 submitters: Uncertain significance (1); Likely benign (1). Last evaluated 2025-09-04.

Conditions:
Cardiovascular phenotype. Identifiers: MedGen CN230736.
Familial thoracic aortic aneurysm and aortic dissection (TAAD). Also called: Thoracic aortic aneurysms and dissections. Identifiers: Orphanet 91387, MedGen C4707243, MONDO:0019625.

Allele frequency attached by ClinVar (database versions not stated): gnomAD exomes 0.00001; ExAC 0.00002.
gnomAD v4.1: 4 of 1,606,482 alleles (0.00025%); highest among the groups gnomAD compares: Admixed American, 0.0067%; no homozygotes.

Submissions (2):

Labcorp Genetics (formerly Invitae), Labcorp
Classification: Uncertain significance for Familial thoracic aortic aneurysm and aortic dissection. Last evaluated: 2025-09-04. Review status: criteria provided, single submitter. Criteria: Invitae Variant Classification Sherloc (09022015). Collection method: clinical testing. Allele origin: germline.
Comment: This sequence change replaces glutamic acid, which is acidic and polar, with aspartic acid, which is acidic and polar, at codon 10 of the MAT2A protein (p.Glu10Asp). This variant is present in population databases (rs771488542, gnomAD 0.01%). This variant has not been reported in the literature in individuals affected with MAT2A-related conditions. ClinVar contains an entry for this variant (Variation ID: 1727623). An algorithm developed to predict the effect of missense changes on protein structure and function outputs the following: PolyPhen-2: "Benign". The aspartic acid amino acid residue is found in multiple mammalian species, which suggests that this missense change does not adversely affect protein function. In summary, the available evidence is currently insufficient to determine the role of this variant in disease. Therefore, it has been classified as a Variant of Uncertain Significance.

Ambry Genetics
Classification: Likely benign for Cardiovascular phenotype. Last evaluated: 2021-01-07. Review status: criteria provided, single submitter. Criteria: Ambry Variant Classification Scheme 2023. Collection method: clinical testing. Allele origin: germline.